The following is an entry in ClinVar:

NM_000486.6(AQP2):c.520C>G (p.Leu174Val)

Genes: AQP2 (aquaporin 2; plus strand), AQP5-AS1 (AQP5 and AQP2 antisense RNA 2; minus strand). Cytogenetic location: 12q13.12.
Variant type: single nucleotide variant.
Coding change: c.520C>G on transcript NM_000486.6 (MANE Select); coding-DNA position 520, C replaced by G.
Protein change: p.Leu174Val; replaces leucine 174 with valine.
Molecular consequence: missense variant. On other transcripts: non-coding transcript variant (1).
Genome position (GRCh38, 1-based): chr12:49,954,314, C>G. VCF-style: chr12-49954314-C-G. GRCh37 (hg19) VCF-style: chr12-50348097-C-G.
Other names: short protein forms L174V.
Identifiers: ClinVar variation 3574916 (VCV003574916.3).

ClinVar aggregate classification (germline): Uncertain significance. Review status: criteria provided, multiple submitters, no conflicts (2 of 4 stars). 2 submissions from 2 submitters: Uncertain significance (2). Last evaluated 2025-01-06.

Conditions:
Diabetes insipidus, nephrogenic, autosomal (NDI2). Also called: Nephrogenic Diabetes Insipidus, Type II; Diabetes insipidus, nephrogenic, 2, autosomal. Identifiers: Orphanet 223, MedGen C1563706, MONDO:0007451, OMIM 125800.

Submissions (2):

Labcorp Genetics (formerly Invitae), Labcorp
Classification: Uncertain significance. Last evaluated: 2025-01-06. Review status: criteria provided, single submitter. Criteria: Invitae Variant Classification Sherloc (09022015). Collection method: clinical testing. Allele origin: germline.
Comment: This sequence change replaces leucine, which is neutral and non-polar, with valine, which is neutral and non-polar, at codon 174 of the AQP2 protein (p.Leu174Val). This variant is not present in population databases (gnomAD no frequency). This variant has not been reported in the literature in individuals affected with AQP2-related conditions. Invitae Evidence Modeling of protein sequence and biophysical properties (such as structural, functional, and spatial information, amino acid conservation, physicochemical variation, residue mobility, and thermodynamic stability) indicates that this missense variant is not expected to disrupt AQP2 protein function with a negative predictive value of 80%. In summary, the available evidence is currently insufficient to determine the role of this variant in disease. Therefore, it has been classified as a Variant of Uncertain Significance.

Fulgent Genetics
Classification: Uncertain significance for Diabetes insipidus, nephrogenic, autosomal. Last evaluated: 2024-04-20. Review status: criteria provided, single submitter. Criteria: ACMG Guidelines, 2015. Collection method: clinical testing. Allele origin: germline.